The following is an entry in ClinVar:

NM_000548.5(TSC2):c.573CGA[1] (p.Asp192del)

Gene: TSC2 (TSC complex subunit 2; plus strand). Cytogenetic location: 16p13.3.
Variant type: Microsatellite.
Coding change: c.573CGA[1] on transcript NM_000548.5 (MANE Select); one copy of the 3-base unit CGA starting at c.573; the reference has two copies in a row; one copy, 3 bases deleted.
Protein change: p.Asp192del; deletes aspartic acid 192.
Molecular consequence: inframe deletion. On other transcripts: inframe indel (14), intron variant (1).
Genome position (GRCh38, 1-based): chr16:2,055,496-2,055,498, CGA deleted; deleting any 3 consecutive bases within chr16:2,055,493-2,055,498 gives the same sequence; the position shown is the placement nearest the transcript's 3' end. VCF-style (leftmost placement, unchanged base first): chr16-2055492-TCGA-T. GRCh37 (hg19) VCF-style: chr16-2105493-TCGA-T.
Other names: c.573CGA[1], p.Asp192del (NM_001077183.3, NM_001114382.3, NM_001363528.2 and 3 more transcripts); c.462CGA[1], p.Asp155del (NM_001318827.2); c.426CGA[1], p.Asp143del (NM_001318829.2); c.606CGA[1], p.Asp203del (NM_001318832.2); c.573_575CGA[1], p.Asp192del (NM_001406663.1, NM_001406664.1, NM_001406665.1 and 2 more transcripts); c.663_665CGA[1], p.Asp222del (NM_001406667.1, NM_001406668.1); c.462_464CGA[1], p.Asp155del (NM_001406670.1, NM_001406678.1); c.426_428CGA[1], p.Asp143del (NM_001406675.1, NM_001406676.1, NM_001406679.1); and 9 more; short protein forms D222del, D38del, D143del, D173del, D203del, D155del, D192del.
Identifiers: ClinVar variation 2003170 (VCV002003170.4), dbSNP rs774703938, ClinGen allele CA055406.
Genomic context (GRCh38, chr16:2,055,492, plus strand): 5'-GCTTGTCCTCGGAATTCCTTCTGGTGCTGGTGAACTTGGTCAAATTCAATAGCTGTTACC[TCGA>T]CGAGTACATCGCAAGGATGGTTCAGTAAGAAAAGAATTGAGATCCTGTTCTGATAATGGT-3'

ClinVar aggregate classification (germline): Uncertain significance (1 of 4 stars; one submission).

Conditions:
Tuberous sclerosis 2 (TSC2). Identifiers: Orphanet 805, MedGen C1860707, MONDO:0013199, OMIM 613254.

Submission:

Labcorp Genetics (formerly Invitae), Labcorp
Classification: Uncertain significance for Tuberous sclerosis 2. Last evaluated: 2022-06-08. Review status: criteria provided, single submitter. Criteria: Invitae Variant Classification Sherloc (09022015). Collection method: clinical testing. Allele origin: germline.
Comment: In summary, the available evidence is currently insufficient to determine the role of this variant in disease. Therefore, it has been classified as a Variant of Uncertain Significance. Algorithms developed to predict the effect of sequence changes on RNA splicing suggest that this variant may disrupt the consensus splice site. Experimental studies and prediction algorithms are not available or were not evaluated, and the functional significance of this variant is currently unknown. This variant has not been reported in the literature in individuals affected with TSC2-related conditions. This variant is present in population databases (rs774703938, gnomAD 0.0009%). This variant, c.576_578del, results in the deletion of 1 amino acid(s) of the TSC2 protein (p.Asp192del), but otherwise preserves the integrity of the reading frame.